The following is an entry in ClinVar:

ClinVar aggregate classification (germline): Uncertain significance (1 of 4 stars; one submission).

Conditions:
EGFR-related lung cancer (EGFR). Identifiers: MedGen CN130014.

Allele frequency attached by ClinVar (database versions not stated): TOPMed below 0.00001.

Submission:

Labcorp Genetics (formerly Invitae), Labcorp
Classification: Uncertain significance for EGFR-related lung cancer. Last evaluated: 2026-01-26. Review status: criteria provided, single submitter. Criteria: Invitae Variant Classification Sherloc (09022015). Collection method: clinical testing. Allele origin: germline.
Comment: This sequence change replaces serine, which is neutral and polar, with arginine, which is basic and polar, at codon 246 of the EGFR protein (p.Ser246Arg). This variant is not present in population databases (gnomAD no frequency). This variant has not been reported in the literature in individuals affected with EGFR-related conditions. ClinVar contains an entry for this variant (Variation ID: 2108096). Invitae Evidence Modeling of protein sequence and biophysical properties (such as structural, functional, and spatial information, amino acid conservation, physicochemical variation, residue mobility, and thermodynamic stability) indicates that this missense variant is not expected to disrupt EGFR protein function with a negative predictive value of 80%. In summary, the available evidence is currently insufficient to determine the role of this variant in disease. Therefore, it has been classified as a Variant of Uncertain Significance.

NM_005228.5(EGFR):c.738C>G (p.Ser246Arg)

Gene: EGFR (epidermal growth factor receptor; plus strand). Cytogenetic location: 7p11.2.
Variant type: single nucleotide variant.
Coding change: c.738C>G on transcript NM_005228.5 (MANE Select); coding-DNA position 738, C replaced by G.
Protein change: p.Ser246Arg; replaces serine 246 with arginine.
Molecular consequence: missense variant. On other transcripts: intron variant (1).
Genome position (GRCh38, 1-based): chr7:55,152,655, C>G. VCF-style: chr7-55152655-C-G. GRCh37 (hg19) VCF-style: chr7-55220348-C-G.
Other names: c.603C>G, p.Ser201Arg (NM_001346897.2, NM_001346899.2); c.738C>G, p.Ser246Arg (NM_001346898.2, NM_201282.2, NM_201283.2 and 1 more transcripts); c.579C>G, p.Ser193Arg (NM_001346900.2); c.89-3175C>G (NM_001346941.2); short protein forms S246R, S193R, S201R.
Identifiers: ClinVar variation 2108096 (VCV002108096.4), dbSNP rs772130986, ClinGen allele CA367577553.
Genomic context (GRCh38, chr7:55,152,655, plus strand): 5'-GTCCCCCAGTGACTGCTGCCACAACCAGTGTGCTGCAGGCTGCACAGGCCCCCGGGAGAG[C>G]GACTGCCTGGTAAGATGCCCCTCCAGCAGCCTCCCTGGAGCAGGCTGGGGCTGCACCCGC-3'
Protein context (NP_005219.2, residues 236-256): CAAGCTGPRE[Ser246Arg]DCLVCRKFRD